The following is an entry in ClinVar:

ClinVar aggregate classification (germline): Uncertain significance. Review status: criteria provided, multiple submitters, no conflicts (2 of 4 stars). 6 submissions from 6 submitters: Uncertain significance (5). 1 of the submissions does not count toward it. Last evaluated 2026-06-17.

Conditions:
Inborn genetic diseases. Identifiers: MedGen C0950123, MeSH D030342.
VPS13B-related disorder. Also called: VPS13B-related condition.
Cohen syndrome (COH1). Also called: Cutis verticis gyrata, retinitis pigmentosa, and sensorineural deafness; PEPPER SYNDROME. Identifiers: Orphanet 193, MedGen C0265223, MONDO:0008999, OMIM 216550.

Allele frequency attached by ClinVar (database versions not stated): TOPMed 0.00005; gnomAD exomes 0.00001 and 0.00003; ExAC 0.00002; gnomAD 0.00002.
gnomAD v4.1: 15 of 1,613,692 alleles (0.00093%); highest among the groups gnomAD compares: Admixed American, 0.025%; no homozygotes.

Submissions (6):

PreventionGenetics, part of Exact Sciences
Classification: Uncertain significance for VPS13B-related condition. Last evaluated: 2026-06-17. Review status: criteria provided, single submitter. Criteria: ACMG Guidelines, 2015. Collection method: clinical testing. Allele origin: germline.
Comment: The VPS13B c.8639C>T variant is predicted to result in the amino acid substitution p.Ser2880Leu. To our knowledge, this variant has not been reported in the literature. This variant is reported in 0.023% of alleles in individuals of Latino descent in gnomAD. At this time, the clinical significance of this variant is uncertain due to the absence of conclusive functional and genetic evidence.

Ambry Genetics
Classification: Uncertain significance for Inborn genetic diseases. Last evaluated: 2024-11-25. Review status: criteria provided, single submitter. Criteria: Ambry Variant Classification Scheme 2023. Collection method: clinical testing. Allele origin: germline.

St. Jude Molecular Pathology, St. Jude Children's Research Hospital
Classification: Uncertain significance for Cohen syndrome. Last evaluated: 2024-09-28. Review status: criteria provided, single submitter. Criteria: St. Jude Assertion Criteria 2020. Collection method: clinical testing. Allele origin: germline.
Comment: The VPS13B c.8639C>T (p.Ser2880Leu) missense change has a maximum subpopulation frequency of 0.023% in gnomAD v2.1.1. The in silico tool REVEL is inconclusive about a pathogenic or benign effect of this variant on protein function, and to our knowledge functional studies have not been performed. To our knowledge, this variant has not been reported in individuals with Cohen syndrome. In summary, the evidence currently available is insufficient to determine the clinical significance of this variant. It has therefore been classified as of uncertain significance.

Labcorp Genetics (formerly Invitae), Labcorp
Classification: Uncertain significance for Cohen syndrome. Last evaluated: 2022-10-27. Review status: criteria provided, single submitter. Criteria: Invitae Variant Classification Sherloc (09022015). Collection method: clinical testing. Allele origin: germline.
Comment: This sequence change replaces serine, which is neutral and polar, with leucine, which is neutral and non-polar, at codon 2905 of the VPS13B protein (p.Ser2905Leu). This variant is present in population databases (rs760166376, gnomAD 0.02%). This variant has not been reported in the literature in individuals affected with VPS13B-related conditions. ClinVar contains an entry for this variant (Variation ID: 660542). Advanced modeling of protein sequence and biophysical properties (such as structural, functional, and spatial information, amino acid conservation, physicochemical variation, residue mobility, and thermodynamic stability) performed at Invitae indicates that this missense variant is expected to disrupt VPS13B protein function. In summary, the available evidence is currently insufficient to determine the role of this variant in disease. Therefore, it has been classified as a Variant of Uncertain Significance.

Blueprint Genetics
Classification: Uncertain significance. Last evaluated: 2021-09-15. Review status: criteria provided, single submitter. Criteria: ACMG Guidelines, 2015. Collection method: clinical testing. Allele origin: germline.

Natera, Inc.
Classification: Uncertain significance for Cohen syndrome. Last evaluated: 2020-09-16. Review status: no assertion criteria provided. Collection method: clinical testing. Allele origin: germline. Not counted in ClinVar's aggregate classification.

NM_152564.5(VPS13B):c.8639C>T (p.Ser2880Leu)

Gene: VPS13B (vacuolar protein sorting 13 homolog B; plus strand). Cytogenetic location: 8q22.2.
Variant type: single nucleotide variant.
Coding change: c.8639C>T on transcript NM_152564.5 (MANE Select); coding-DNA position 8639, C replaced by T.
Protein change: p.Ser2880Leu; replaces serine 2880 with leucine.
Molecular consequence: missense variant.
Genome position (GRCh38, 1-based): chr8:99,819,429, C>T. VCF-style: chr8-99819429-C-T. GRCh37 (hg19) VCF-style: chr8-100831657-C-T.
Other names: c.8714C>T, p.Ser2905Leu (NM_017890.5); c.8639C>T (NM_152564.4); short protein forms S2905L, S2880L.
Identifiers: ClinVar variation 660542 (VCV000660542.11), dbSNP rs760166376, ClinGen allele CA4824519.